The following is an entry in ClinVar:

NM_198253.3(TERT):c.649C>A (p.Pro217Thr)

Gene: TERT (telomerase reverse transcriptase; minus strand). Cytogenetic location: 5p15.33.
Variant type: single nucleotide variant.
Coding change: c.649C>A on transcript NM_198253.3 (MANE Select); coding-DNA position 649, C replaced by A.
Protein change: p.Pro217Thr; replaces proline 217 with threonine.
Molecular consequence: missense variant. On other transcripts: non-coding transcript variant (2).
Genome position (GRCh38, 1-based): chr5:1,294,237, G>T on the plus strand (C>A on the coding strand, the complement: TERT is on the minus strand). VCF-style: chr5-1294237-G-T. GRCh37 (hg19) VCF-style: chr5-1294352-G-T.
Other names: c.649C>A, p.Pro217Thr (NM_001193376.3, NM_003219.1); short protein forms P217T.
Identifiers: ClinVar variation 3238478 (VCV003238478.1), dbSNP rs1318567987.
Genomic context (GRCh38, chr5:1,294,237, plus strand): 5'-TCTTGGGCAACGGCAGACTTCGGCTGGCACTGCCCCCGCGCCTCCTCGCACCCGGGGCTG[G>T]CAGGCCCAGGGGGACCCCGGCCTCCCTGACGCTATGGTTCCAGGCCCGTTCGCATCCCAG-3'
Protein context (NP_937983.2, residues 207-227): VREAGVPLGL[Pro217Thr]APGARRRGGS

ClinVar aggregate classification (germline): Uncertain significance (1 of 4 stars; one submission).

Conditions:
Dyskeratosis congenita. Identifiers: Orphanet 1775, MedGen C0265965, MONDO:0015780.

gnomAD v4.1: 1 of 1,588,598 alleles (0.000063%); no homozygotes.

Submission:

Ambry Genetics
Classification: Uncertain significance for Dyskeratosis congenita. Last evaluated: 2023-02-12. Review status: criteria provided, single submitter. Criteria: Ambry Variant Classification Scheme 2023. Collection method: clinical testing. Allele origin: germline.
Comment: The p.P217T variant (also known as c.649C>A), located in coding exon 2 of the TERT gene, results from a C to A substitution at nucleotide position 649. The proline at codon 217 is replaced by threonine, an amino acid with highly similar properties. This amino acid position is conserved. In addition, this alteration is predicted to be tolerated by in silico analysis. Since supporting evidence is limited at this time, the clinical significance of this alteration remains unclear.